The following is an entry in ClinVar:

NM_000069.3(CACNA1S):c.3096T>A (p.Gly1032=)

Gene: CACNA1S (calcium voltage-gated channel subunit alpha1 S; minus strand). Cytogenetic location: 1q32.1.
Variant type: single nucleotide variant.
Coding change: c.3096T>A on transcript NM_000069.3 (MANE Select); coding-DNA position 3096, T replaced by A.
Protein change: p.Gly1032=; no amino-acid change (glycine 1032 retained).
Molecular consequence: synonymous variant.
Genome position (GRCh38, 1-based): chr1:201,061,426, A>T on the plus strand (T>A on the coding strand, the complement: CACNA1S is on the minus strand). VCF-style: chr1-201061426-A-T. GRCh37 (hg19) VCF-style: chr1-201030554-A-T.
Identifiers: ClinVar variation 1566074 (VCV001566074.10), dbSNP rs1661044517, ClinGen allele CA422720355.

ClinVar aggregate classification (germline): Likely benign. Review status: criteria provided, multiple submitters, no conflicts (2 of 4 stars). 3 submissions from 3 submitters: Likely benign (3). Last evaluated 2025-07-31.

Conditions:
Hypokalemic periodic paralysis, type 1. Also called: HypoPP; Hypokalemic Periodic Paralysis Type 1 (AD). Identifiers: Orphanet 681, MedGen C3714580, MONDO:0042979, OMIM 170400.
Malignant hyperthermia, susceptibility to, 5 (MHS5). Also called: CACNA1S-Related Malignant Hyperthermia Susceptibility. Identifiers: Orphanet 423, MedGen C1866077, MONDO:0011163, OMIM 601887.

Allele frequency attached by ClinVar (database versions not stated): gnomAD exomes below 0.00001; TOPMed below 0.00001; gnomAD 0.00001.
gnomAD v4.1: 6 of 1,614,078 alleles (0.00037%); highest among the groups gnomAD compares: African/African-American, 0.0013%; no homozygotes.

Submissions (3):

Labcorp Genetics (formerly Invitae), Labcorp
Classification: Likely benign for Hypokalemic periodic paralysis, type 1; Malignant hyperthermia, susceptibility to, 5. Last evaluated: 2025-07-31. Review status: criteria provided, single submitter. Criteria: Invitae Variant Classification Sherloc (09022015). Collection method: clinical testing. Allele origin: germline.

All of Us Research Program, National Institutes of Health
Classification: Likely benign for Malignant hyperthermia, susceptibility to, 5. Last evaluated: 2023-12-01. Review status: criteria provided, single submitter. Criteria: ACMG Guidelines, 2015. Collection method: clinical testing. Allele origin: germline. Inheritance: Autosomal dominant inheritance. Observed: 3 variant alleles, 3 heterozygotes.
Comment: This study involves interpretation of variants in research participants for the purpose of population health screening. Participant phenotype was not available at the time of variant classification. Additional details can be found in publication PMID: 35346344, PMCID: PMC8962531

Blueprint Genetics
Classification: Likely benign. Last evaluated: 2023-11-29. Review status: criteria provided, single submitter. Criteria: ACMG Guidelines, 2015. Collection method: clinical testing. Allele origin: germline.